The following is an entry in ClinVar:

NM_001148.6(ANK2):c.1360G>A (p.Gly454Arg)

Gene: ANK2 (ankyrin 2; plus strand). Cytogenetic location: 4q26.
Variant type: single nucleotide variant.
Coding change: c.1360G>A on transcript NM_001148.6 (MANE Select); coding-DNA position 1360, G replaced by A.
Protein change: p.Gly454Arg; replaces glycine 454 with arginine.
Molecular consequence: missense variant. On other transcripts: intron variant (5).
Genome position (GRCh38, 1-based): chr4:113,258,385, G>A. VCF-style: chr4-113258385-G-A. GRCh37 (hg19) VCF-style: chr4-114179541-G-A.
Other names: c.1297G>A, p.Gly433Arg (NM_001127493.3, NM_001354239.2, NM_001354243.2 and 14 more transcripts); c.1360G>A, p.Gly454Arg (NM_001354225.2, NM_001354228.2, NM_001354232.2 and 8 more transcripts); c.1405G>A, p.Gly469Arg (NM_001354230.2, NM_001354231.2, NM_001354237.2 and 5 more transcripts); c.1273G>A, p.Gly425Arg (NM_001354249.2, NM_001354260.2, NM_001354264.2 and 13 more transcripts); c.1318G>A, p.Gly440Arg (NM_001354261.2, NM_001386147.1, NM_001386160.1); c.1348G>A, p.Gly450Arg (NM_001386148.2, NM_001386186.2); c.1411G>A, p.Gly471Arg (NM_001386174.1); c.1387G>A, p.Gly463Arg (NM_001386175.1); and 4 more; short protein forms G450R, G454R, G469R, G425R, G433R, G440R, G442R, G471R.
Identifiers: ClinVar variation 1770831 (VCV001770831.2), dbSNP rs775705520, ClinGen allele CA3050266.
Genomic context (GRCh38, chr4:113,258,385, plus strand): 5'-CCAATACATGTGGCTGCCTTCATGGGCCACTTGAACATTGTCCTCCTTCTGCTGCAGAAC[G>A]GAGCCTCTCCAGATGTCACTAACATTGTGAGTATGGCTTGGGTCAGAATAACCCCAGGGA-3'
Protein context (NP_001139.3, residues 444-464): LNIVLLLLQN[Gly454Arg]ASPDVTNIRG

ClinVar aggregate classification (germline): Uncertain significance (1 of 4 stars; one submission).

Conditions:
Cardiovascular phenotype. Identifiers: MedGen CN230736.

Allele frequency attached by ClinVar (database versions not stated): gnomAD exomes below 0.00001; ExAC 0.00001.
gnomAD v4.1: 3 of 1,614,076 alleles (0.00019%); highest among the groups gnomAD compares: South Asian, 0.0011%; no homozygotes.

Submission:

Ambry Genetics
Classification: Uncertain significance for Cardiovascular phenotype. Last evaluated: 2022-05-09. Review status: criteria provided, single submitter. Criteria: Ambry Variant Classification Scheme 2023. Collection method: clinical testing. Allele origin: germline.
Comment: The p.G454R variant (also known as c.1360G>A), located in coding exon 13 of the ANK2 gene, results from a G to A substitution at nucleotide position 1360. The glycine at codon 454 is replaced by arginine, an amino acid with dissimilar properties. This variant (described p.G486R, c.1456G>A) has has been reported in neurodevelopmental disorder cohorts; however, clinical details were limited (Stessman HA et al. Nat Genet, 2017 Apr;49:515-526; Wang T et al. Nat Commun, 2020 10;11:4932). This amino acid position is highly conserved in available vertebrate species. In addition, this alteration is predicted to be deleterious by in silico analysis. Since supporting evidence is limited at this time, the clinical significance of this alteration remains unclear.

Literature cited by the submitters: PubMed 28191889; PubMed 33004838.